The following is an entry in ClinVar:

ClinVar aggregate classification (germline): Likely benign (0 of 4 stars; one submission).

Conditions:
TCOF1-related disorder. Also called: TCOF1-related condition.

Allele frequency attached by ClinVar (database versions not stated): TOPMed below 0.00001; ExAC 0.00001; gnomAD exomes 0.00001.
gnomAD v4.1: 11 of 1,614,254 alleles (0.00068%); highest among the groups gnomAD compares: South Asian, 0.012%; no homozygotes.

Submission:

PreventionGenetics, part of Exact Sciences
Classification: Likely benign for TCOF1-related condition. Last evaluated: 2019-05-24. Review status: no assertion criteria provided. Collection method: clinical testing. Allele origin: germline.
Comment: This variant is classified as likely benign based on ACMG/AMP sequence variant interpretation guidelines (Richards et al. 2015 PMID: 25741868, with internal and published modifications).

NM_001371623.1(TCOF1):c.3375C>T (p.Leu1125=)

Gene: TCOF1 (treacle ribosome biogenesis factor 1; plus strand). Cytogenetic location: 5q32.
Variant type: single nucleotide variant.
Coding change: c.3375C>T on transcript NM_001371623.1 (MANE Select); coding-DNA position 3375, C replaced by T.
Protein change: p.Leu1125=; no amino-acid change (leucine 1125 retained).
Molecular consequence: synonymous variant.
Genome position (GRCh38, 1-based): chr5:150,392,034, C>T. VCF-style: chr5-150392034-C-T. GRCh37 (hg19) VCF-style: chr5-149771597-C-T.
Other names: c.3144C>T, p.Leu1048= (NM_000356.4, NM_001135245.2); c.3375C>T, p.Leu1125= (NM_001135243.2); c.3261C>T, p.Leu1087= (NM_001135244.2, NM_001195141.2).
Identifiers: ClinVar variation 3038595 (VCV003038595.2), dbSNP rs749263695, ClinGen allele CA3511489.
Genomic context (GRCh38, chr5:150,392,034, plus strand): 5'-AACACTCCCTGCAACAAGTCCCCAGAGCACCTCCGTCCAGGCCAAAGGGACCAACAAGCT[C>T]AGAAAACCTAAGCTTCCTGAGGTCCAGCAGGCCACCAAAGCCCCTGAGAGCTCAGATGAC-3'
Protein context (NP_001358552.1, residues 1115-1135): TSVQAKGTNK[Leu1125=]RKPKLPEVQQ